The following is an entry in ClinVar:

ClinVar aggregate classification (germline): Uncertain significance (1 of 4 stars; one submission).

Conditions:
Muscular dystrophy-dystroglycanopathy (congenital with brain and eye anomalies), type a, 12 (MDDGA12). Also called: WALKER-WARBURG SYNDROME OR MUSCLE-EYE-BRAIN DISEASE, POMK-RELATED. Identifiers: Orphanet 899, MedGen C3808964, MONDO:0014101, OMIM 615249.
Limb-girdle muscular dystrophy due to POMK deficiency. Also called: MUSCULAR DYSTROPHY-DYSTROGLYCANOPATHY, LIMB-GIRDLE, POMK-RELATED; Muscular dystrophy-dystroglycanopathy (limb-girdle), type c, 12. Identifiers: Orphanet 445110, MedGen C4015184, MONDO:0014489, OMIM 616094.

Allele frequency attached by ClinVar (database versions not stated): gnomAD exomes below 0.00001.
gnomAD v4.1: 1 of 1,614,220 alleles (0.000062%); highest among the groups gnomAD compares: Admixed American, 0.0017%; no homozygotes.

Submission:

Labcorp Genetics (formerly Invitae), Labcorp
Classification: Uncertain significance for Muscular dystrophy-dystroglycanopathy (congenital with brain and eye anomalies), type a, 12; Limb-girdle muscular dystrophy due to POMK deficiency. Last evaluated: 2021-10-31. Review status: criteria provided, single submitter. Criteria: Invitae Variant Classification Sherloc (09022015). Collection method: clinical testing. Allele origin: germline.
Comment: In summary, the available evidence is currently insufficient to determine the role of this variant in disease. Therefore, it has been classified as a Variant of Uncertain Significance. Algorithms developed to predict the effect of missense changes on protein structure and function are either unavailable or do not agree on the potential impact of this missense change (SIFT: "Deleterious"; PolyPhen-2: "Probably Damaging"; Align-GVGD: "Class C0"). This variant has not been reported in the literature in individuals affected with POMK-related conditions. This variant is not present in population databases (gnomAD no frequency). This sequence change replaces leucine, which is neutral and non-polar, with methionine, which is neutral and non-polar, at codon 249 of the POMK protein (p.Leu249Met).

NM_032237.5(POMK):c.745C>A (p.Leu249Met)

Gene: POMK (protein O-mannose kinase; plus strand). Cytogenetic location: 8p11.21.
Variant type: single nucleotide variant.
Coding change: c.745C>A on transcript NM_032237.5 (MANE Select); coding-DNA position 745, C replaced by A.
Protein change: p.Leu249Met; replaces leucine 249 with methionine.
Molecular consequence: missense variant.
Genome position (GRCh38, 1-based): chr8:43,122,569, C>A. VCF-style: chr8-43122569-C-A. GRCh37 (hg19) VCF-style: chr8-42977712-C-A.
Other names: c.745C>A, p.Leu249Met (NM_001277971.2); short protein forms L249M.
Identifiers: ClinVar variation 1348506 (VCV001348506.6), dbSNP rs2130627298, ClinGen allele CA371122569.